The following is an entry in ClinVar:

ClinVar aggregate classification (germline): Uncertain significance. Review status: criteria provided, multiple submitters, no conflicts (2 of 4 stars). 3 submissions from 3 submitters: Uncertain significance (2). 1 of the submissions does not count toward it. Last evaluated 2026-01-08.

Conditions:
SKIC3-related disorder. Also called: SKIC3-related condition.

Allele frequency attached by ClinVar (database versions not stated): gnomAD below 0.00001 and 0.00009; TOPMed 0.00002; gnomAD exomes 0.00014 and 0.00024; 1000 Genomes Project 30x 0.00031; ExAC 0.00031.
gnomAD v4.1: 212 of 1,613,442 alleles (0.013%); highest among the groups gnomAD compares: South Asian, 0.23%; 1 homozygote.

Submissions (3):

Labcorp Genetics (formerly Invitae), Labcorp
Classification: Uncertain significance. Last evaluated: 2026-01-08. Review status: criteria provided, single submitter. Criteria: Invitae Variant Classification Sherloc (09022015). Collection method: clinical testing. Allele origin: germline.
Comment: This sequence change replaces proline, which is neutral and non-polar, with alanine, which is neutral and non-polar, at codon 595 of the TTC37 protein (p.Pro595Ala). This variant is present in population databases (rs751343448, gnomAD 0.2%). This variant has not been reported in the literature in individuals affected with TTC37-related conditions. ClinVar contains an entry for this variant (Variation ID: 626200). An algorithm developed to predict the effect of missense changes on protein structure and function (PolyPhen-2) suggests that this variant is likely to be disruptive. In summary, the available evidence is currently insufficient to determine the role of this variant in disease. Therefore, it has been classified as a Variant of Uncertain Significance.

Center for Genomics, Ann and Robert H. Lurie Children's Hospital of Chicago
Classification: Uncertain significance. Last evaluated: 2021-03-30. Review status: criteria provided, single submitter. Criteria: ACMG Guidelines, 2015. Collection method: clinical testing. Allele origin: germline.
Comment: TTC37 NM_014639.3 exon 19 p.Pro595Ala (c.1783C>G): This variant has not been reported in the literature but is present in 0.1% (58/30774) of South Asian alleles in the Genome Aggregation Database. Evolutionary conservation and computational predictive tools suggest that this variant may impact the protein. In summary, data on this variant is insufficient for disease classification. Therefore, the clinical significance of this variant is uncertain.

PreventionGenetics, part of Exact Sciences
Classification: Likely benign for SKIC3-related condition. Last evaluated: 2022-11-14. Review status: no assertion criteria provided. Collection method: clinical testing. Allele origin: germline. Not counted in ClinVar's aggregate classification.
Comment: This variant is classified as likely benign based on ACMG/AMP sequence variant interpretation guidelines (Richards et al. 2015 PMID: 25741868, with internal and published modifications).

NM_014639.4(SKIC3):c.1783C>G (p.Pro595Ala)

Gene: SKIC3 (SKI3 subunit of superkiller complex; minus strand). Cytogenetic location: 5q15.
Variant type: single nucleotide variant.
Coding change: c.1783C>G on transcript NM_014639.4 (MANE Select); coding-DNA position 1783, C replaced by G.
Protein change: p.Pro595Ala; replaces proline 595 with alanine.
Molecular consequence: missense variant.
Genome position (GRCh38, 1-based): chr5:95,522,282, G>C on the plus strand (C>G on the coding strand, the complement: SKIC3 is on the minus strand). VCF-style: chr5-95522282-G-C. GRCh37 (hg19) VCF-style: chr5-94857986-G-C.
Other names: c.1783C>G (NM_014639.3); short protein forms P595A.
Identifiers: ClinVar variation 626200 (VCV000626200.10), dbSNP rs751343448, ClinGen allele CA3347234.